The following is an entry in ClinVar:

NM_005506.4(SCARB2):c.117+296del

Gene: SCARB2 (scavenger receptor class B member 2; minus strand). Cytogenetic location: 4q21.1.
Variant type: Deletion.
Coding change: c.117+296del on transcript NM_005506.4 (MANE Select); 296 bases into the intron after coding-DNA position 117, one base deleted (C; older notation c.117+296delC).
Molecular consequence: intron variant.
Genome position (GRCh38, 1-based): chr4:76,213,131, G deleted on the plus strand (C on the coding strand, the reverse complement: SCARB2 is on the minus strand); the first of 4 consecutive G bases (chr4:76,213,131-76,213,134); deleting any one gives the same sequence. VCF-style (leftmost placement, unchanged base first): chr4-76213130-TG-T. GRCh37 (hg19) VCF-style: chr4-77134283-TG-T.
Other names: c.117+296del (NM_001204255.2).
Identifiers: ClinVar variation 669406 (VCV000669406.1), dbSNP rs78406257, ClinGen allele CA99863484.

ClinVar aggregate classification (germline): Benign (1 of 4 stars; one submission).

Submission:

GeneDx
Classification: Benign. Last evaluated: 2018-06-14. Review status: criteria provided, single submitter. Criteria: GeneDx Variant Classification (06012015). Collection method: clinical testing. Allele origin: germline. Affected: yes.
Comment: This variant is considered likely benign or benign based on one or more of the following criteria: it is a conservative change, it occurs at a poorly conserved position in the protein, it is predicted to be benign by multiple in silico algorithms, and/or has population frequency not consistent with disease.